The following is an entry in ClinVar:

ClinVar aggregate classification (germline): Conflicting classifications of pathogenicity. Review status: criteria provided, conflicting classifications (1 of 4 stars). 4 submissions from 4 submitters: Uncertain significance (2); Likely benign (1). 1 of the submissions does not count toward it. Last evaluated 2025-11-03.

Conditions:
AP4E1-related disorder. Also called: AP4E1-related condition.
Spastic paraplegia. Identifiers: MedGen C0037772, HP:0001258.

Allele frequency attached by ClinVar (database versions not stated): ESP Exome Variant Server 0.00008; gnomAD 0.00013 and 0.00031; gnomAD exomes 0.00026 and 0.00061; TOPMed 0.00029; ExAC 0.00059; 1000 Genomes Project 0.00160; 1000 Genomes Project 30x 0.00187.
gnomAD v4.1: 436 of 1,614,146 alleles (0.027%); highest among the groups gnomAD compares: East Asian, 0.62%; 2 homozygotes.

Submissions (4):

Labcorp Genetics (formerly Invitae), Labcorp
Classification: Likely benign for Spastic paraplegia. Last evaluated: 2025-11-03. Review status: criteria provided, single submitter. Criteria: Invitae Variant Classification Sherloc (09022015). Collection method: clinical testing. Allele origin: germline.

Blueprint Genetics
Classification: Uncertain significance. Last evaluated: 2024-10-11. Review status: criteria provided, single submitter. Criteria: ACMG Guidelines, 2015. Collection method: clinical testing. Allele origin: germline.

Genetic Services Laboratory, University of Chicago
Classification: Uncertain significance. Last evaluated: 2016-12-18. Review status: criteria provided, single submitter. Criteria: ACMG Guidelines, 2015. Collection method: clinical testing. Allele origin: germline. Affected: no.

PreventionGenetics, part of Exact Sciences
Classification: Likely benign for AP4E1-related condition. Last evaluated: 2019-12-18. Review status: no assertion criteria provided. Collection method: clinical testing. Allele origin: germline. Not counted in ClinVar's aggregate classification.
Comment: This variant is classified as likely benign based on ACMG/AMP sequence variant interpretation guidelines (Richards et al. 2015 PMID: 25741868, with internal and published modifications).

NM_007347.5(AP4E1):c.791A>G (p.Asn264Ser)

Gene: AP4E1 (adaptor related protein complex 4 subunit epsilon 1; plus strand). Cytogenetic location: 15q21.2.
Variant type: single nucleotide variant.
Coding change: c.791A>G on transcript NM_007347.5 (MANE Select); coding-DNA position 791, A replaced by G.
Protein change: p.Asn264Ser; replaces asparagine 264 with serine.
Molecular consequence: missense variant.
Genome position (GRCh38, 1-based): chr15:50,930,893, A>G. VCF-style: chr15-50930893-A-G. GRCh37 (hg19) VCF-style: chr15-51223090-A-G.
Other names: c.566A>G, p.Asn189Ser (NM_001252127.2); short protein forms N264S, N189S.
Identifiers: ClinVar variation 434232 (VCV000434232.19), dbSNP rs145541719, ClinGen allele CA7558879.